The following is an entry in ClinVar:

NM_033103.5(RHPN2):c.1479G>A (p.Thr493=)

Gene: RHPN2 (rhophilin Rho GTPase binding protein 2; minus strand). Cytogenetic location: 19q13.11.
Variant type: single nucleotide variant.
Coding change: c.1479G>A on transcript NM_033103.5 (MANE Select); coding-DNA position 1479, G replaced by A.
Protein change: p.Thr493=; no amino-acid change (threonine 493 retained).
Molecular consequence: synonymous variant.
Genome position (GRCh38, 1-based): chr19:32,993,995, C>T on the plus strand (G>A on the coding strand, the complement: RHPN2 is on the minus strand). VCF-style: chr19-32993995-C-T. GRCh37 (hg19) VCF-style: chr19-33484901-C-T.
Identifiers: ClinVar variation 2649691 (VCV002649691.24), dbSNP rs138451485, ClinGen allele CA9360388.
Genomic context (GRCh38, chr19:32,993,995, plus strand): 5'-TGTCCCCTTAGGTCATTTGAATGTAGAGAGCATTCAACATACCAGCTTCTGGAAGAAGTC[C>T]GTGACTGTCAGCTTGGAGAACTGGGGCAATATAATGTCAACCTCTTGCTCAGTTTTAGCT-3'
Protein context (NP_149094.3, residues 483-503): ILPQFSKLTV[Thr493=]DFFQKLGPLS

ClinVar aggregate classification (germline): Likely benign (1 of 4 stars; one submission).

Allele frequency attached by ClinVar (database versions not stated): ESP Exome Variant Server 0.00023; ExAC 0.00031; TOPMed 0.00034; gnomAD exomes 0.00044.
gnomAD v4.1: 694 of 1,612,720 alleles (0.043%); highest among the groups gnomAD compares: Middle Eastern, 0.049%; no homozygotes.

Submission:

CeGaT Center for Human Genetics Tuebingen
Classification: Likely benign. Last evaluated: 2023-02-01. Review status: criteria provided, single submitter. Criteria: CeGaT Center For Human Genetics Tuebingen Variant Classification Criteria Version 2. Collection method: clinical testing. Allele origin: germline. Affected: yes. Observed: 1 variant allele.
Comment: RHPN2: BP4, BP7